The following is an entry in ClinVar:

ClinVar aggregate classification (germline): Uncertain significance (1 of 4 stars; one submission).

Submission:

GeneDx
Classification: Uncertain significance. Last evaluated: 2025-03-06. Review status: criteria provided, single submitter. Criteria: GeneDx Variant Classification Process June 2021. Collection method: clinical testing. Allele origin: germline. Affected: yes.
Comment: Not observed at significant frequency in large population cohorts (gnomAD); In silico analysis supports that this missense variant has a deleterious effect on protein structure/function; Has not been previously published as pathogenic or benign to our knowledge

NM_002471.4(MYH6):c.4256C>T (p.Thr1419Ile)

Gene: MYH6 (myosin heavy chain 6; minus strand). Cytogenetic location: 14q11.2.
Variant type: single nucleotide variant.
Coding change: c.4256C>T on transcript NM_002471.4 (MANE Select); coding-DNA position 4256, C replaced by T.
Protein change: p.Thr1419Ile; replaces threonine 1419 with isoleucine.
Molecular consequence: missense variant.
Genome position (GRCh38, 1-based): chr14:23,388,258, G>A on the plus strand (C>T on the coding strand, the complement: MYH6 is on the minus strand). VCF-style: chr14-23388258-G-A. GRCh37 (hg19) VCF-style: chr14-23857467-G-A.
Other names: short protein forms T1419I.
Identifiers: ClinVar variation 4082777 (VCV004082777.1).